The following is an entry in ClinVar:

NM_001271.4(CHD2):c.1238A>G (p.Tyr413Cys)

Gene: CHD2 (chromodomain helicase DNA binding protein 2; plus strand). Cytogenetic location: 15q26.1.
Variant type: single nucleotide variant.
Coding change: c.1238A>G on transcript NM_001271.4 (MANE Select); coding-DNA position 1238, A replaced by G.
Protein change: p.Tyr413Cys; replaces tyrosine 413 with cysteine.
Molecular consequence: missense variant.
Genome position (GRCh38, 1-based): chr15:92,946,077, A>G. VCF-style: chr15-92946077-A-G. GRCh37 (hg19) VCF-style: chr15-93489307-A-G.
Other names: c.1238A>G, p.Tyr413Cys (NM_001042572.3); short protein forms Y413C.
Identifiers: ClinVar variation 2709075 (VCV002709075.3), dbSNP rs2505458959, ClinGen allele CA393903672.

ClinVar aggregate classification (germline): Uncertain significance (1 of 4 stars; one submission).

Conditions:
Developmental and epileptic encephalopathy 94 (DEE94). Also called: CHD2-Related Neurodevelopmental Disorders; Epileptic encephalopathy, childhood-onset. Identifiers: Orphanet 1942, Orphanet 2382, MedGen C3809278, MONDO:0014150, OMIM 615369.

Submission:

Labcorp Genetics (formerly Invitae), Labcorp
Classification: Uncertain significance for Developmental and epileptic encephalopathy 94. Last evaluated: 2024-02-25. Review status: criteria provided, single submitter. Criteria: Invitae Variant Classification Sherloc (09022015). Collection method: clinical testing. Allele origin: germline.
Comment: This sequence change replaces tyrosine, which is neutral and polar, with cysteine, which is neutral and slightly polar, at codon 413 of the CHD2 protein (p.Tyr413Cys). This variant is not present in population databases (gnomAD no frequency). This variant has not been reported in the literature in individuals affected with CHD2-related conditions. Advanced modeling of protein sequence and biophysical properties (such as structural, functional, and spatial information, amino acid conservation, physicochemical variation, residue mobility, and thermodynamic stability) has been performed at Invitae for this missense variant, however the output from this modeling did not meet the statistical confidence thresholds required to predict the impact of this variant on CHD2 protein function. In summary, the available evidence is currently insufficient to determine the role of this variant in disease. Therefore, it has been classified as a Variant of Uncertain Significance.